The following is an entry in ClinVar:

NM_000038.6(APC):c.4175C>A (p.Ser1392Ter)

Gene: APC (APC regulator of Wnt signaling pathway; plus strand). Cytogenetic location: 5q22.2.
Variant type: single nucleotide variant.
Coding change: c.4175C>A on transcript NM_000038.6 (MANE Select); coding-DNA position 4175, C replaced by A.
Protein change: p.Ser1392Ter; replaces serine 1392 with a stop codon.
Molecular consequence: nonsense.
Genome position (GRCh38, 1-based): chr5:112,839,769, C>A. VCF-style: chr5-112839769-C-A. GRCh37 (hg19) VCF-style: chr5-112175466-C-A.
Other names: c.4175C>A, p.Ser1392Ter (NM_001127510.3, NM_001354895.2); c.4121C>A, p.Ser1374Ter (NM_001127511.3); c.4229C>A, p.Ser1410Ter (NM_001354896.2); c.4205C>A, p.Ser1402Ter (NM_001354897.2); c.4100C>A, p.Ser1367Ter (NM_001354898.2); c.4091C>A, p.Ser1364Ter (NM_001354899.2); c.4052C>A, p.Ser1351Ter (NM_001354900.2); c.3998C>A, p.Ser1333Ter (NM_001354901.2); and 5 more; short protein forms S1374*, S1392*, S1109*, S1266*, S1333*, S1402*, S1367*, S1232*.
Identifiers: ClinVar variation 188240 (VCV000188240.7), dbSNP rs786204170, ClinGen allele CA008927.

ClinVar aggregate classification (germline): Pathogenic (1 of 4 stars; one submission).

Conditions:
Familial adenomatous polyposis 1 (FAP1). Also called: FAMILIAL ADENOMATOUS POLYPOSIS 1, ATTENUATED; POLYPOSIS, ADENOMATOUS INTESTINAL. Identifiers: MedGen C2713442, MONDO:0021056, OMIM 175100. Disease mechanism: loss of function.

Submission:

Labcorp Genetics (formerly Invitae), Labcorp
Classification: Pathogenic for Familial adenomatous polyposis 1. Last evaluated: 2024-11-28. Review status: criteria provided, single submitter. Criteria: Invitae Variant Classification Sherloc (09022015). Collection method: clinical testing. Allele origin: germline.
Comment: This sequence change creates a premature translational stop signal (p.Ser1392*) in the APC gene. It is expected to result in an absent or disrupted protein product. Loss-of-function variants in APC are known to be pathogenic (PMID: 17963004, 20685668). This variant is not present in population databases (gnomAD no frequency). This variant has not been reported in the literature in individuals affected with APC-related conditions. ClinVar contains an entry for this variant (Variation ID: 188240). For these reasons, this variant has been classified as Pathogenic.

Literature cited by the submitters: PubMed 17963004; PubMed 20685668.